The following is an entry in ClinVar:

NM_054027.6(ANKH):c.*11G>A

Genes: ANKH (ANKH inorganic pyrophosphate transport regulator; minus strand), OTULIN (OTU deubiquitinase with linear linkage specificity; plus strand). Cytogenetic location: 5p15.2.
Variant type: single nucleotide variant.
Coding change: c.*11G>A on transcript NM_054027.6 (MANE Select); 11 bases downstream of the stop codon, G replaced by A.
Molecular consequence: 3 prime UTR variant.
Genome position (GRCh38, 1-based): chr5:14,711,186, C>T on the plus strand (G>A on the coding strand, the complement: ANKH is on the minus strand). VCF-style: chr5-14711186-C-T. GRCh37 (hg19) VCF-style: chr5-14711295-C-T.
Identifiers: ClinVar variation 351497 (VCV000351497.6), dbSNP rs111369645, ClinGen allele CA3208758.

ClinVar aggregate classification (germline): Benign/Likely benign. Review status: criteria provided, multiple submitters, no conflicts (2 of 4 stars). 3 submissions from 2 submitters: Benign (2); Likely benign (1). Last evaluated 2024-11-14.

Conditions:
Chondrocalcinosis 2. Also called: CALCIUM GOUT; CALCIUM PYROPHOSPHATE ARTHROPATHY; Familial calcium pyrophosphate deposition. Identifiers: Orphanet 1416, MedGen C0856830, MONDO:0007319, OMIM 118600.
Craniometaphyseal dysplasia, autosomal dominant (CMDD). Identifiers: Orphanet 1522, MedGen C1852502, MONDO:0007397, OMIM 123000.

Allele frequency attached by ClinVar (database versions not stated): gnomAD 0.00081; TOPMed 0.00101; ESP Exome Variant Server 0.00115; 1000 Genomes Project 30x 0.00172; gnomAD exomes 0.00194; 1000 Genomes Project 0.00220.
gnomAD v4.1: 2,933 of 1,605,206 alleles (0.18%); highest among the groups gnomAD compares: East Asian, 2.5%; 20 homozygotes.

Submissions (3):

Blueprint Genetics
Classification: Likely benign. Last evaluated: 2024-11-14. Review status: criteria provided, single submitter. Criteria: ACMG Guidelines, 2015. Collection method: clinical testing. Allele origin: germline.

Illumina Laboratory Services, Illumina
Classification: Benign for Chondrocalcinosis 2. Last evaluated: 2018-01-13. Review status: criteria provided, single submitter. Criteria: ICSL Variant Classification Criteria 13 December 2019. Collection method: clinical testing. Allele origin: germline.
Comment: This variant was observed in the ICSL laboratory as part of a predisposition screen in an ostensibly healthy population. It had not been previously curated by ICSL or reported in the Human Gene Mutation Database (HGMD: prior to June 1st, 2018), and was therefore a candidate for classification through an automated scoring system. Utilizing variant allele frequency, disease prevalence and penetrance estimates, and inheritance mode, an automated score was calculated to assess if this variant is too frequent to cause the disease. Based on the score and internal cut-off values, a variant classified as benign is not then subjected to further curation. The score for this variant resulted in a classification of benign for this disease.

Illumina Laboratory Services, Illumina
Classification: Benign for Craniometaphyseal dysplasia, autosomal dominant. Last evaluated: 2018-01-13. Review status: criteria provided, single submitter. Criteria: ICSL Variant Classification Criteria 13 December 2019. Collection method: clinical testing. Allele origin: germline.
Comment: the same text as in the submission from Illumina Laboratory Services, Illumina above.